The following is an entry in ClinVar:

NM_001365536.1(SCN9A):c.804G>A (p.Met268Ile)

Gene: SCN9A (sodium voltage-gated channel alpha subunit 9; minus strand). Cytogenetic location: 2q24.3.
Variant type: single nucleotide variant.
Coding change: c.804G>A on transcript NM_001365536.1 (MANE Select); coding-DNA position 804, G replaced by A.
Protein change: p.Met268Ile; replaces methionine 268 with isoleucine.
Molecular consequence: missense variant.
Genome position (GRCh38, 1-based): chr2:166,303,187, C>T on the plus strand (G>A on the coding strand, the complement: SCN9A is on the minus strand). VCF-style: chr2-166303187-C-T. GRCh37 (hg19) VCF-style: chr2-167159697-C-T.
Other names: c.804G>A, p.Met268Ile (NM_002977.4); short protein forms M268I.
Identifiers: ClinVar variation 3755534 (VCV003755534.2).

ClinVar aggregate classification (germline): Uncertain significance (1 of 4 stars; one submission).

Conditions:
Neuropathy, hereditary sensory and autonomic, type 2A (HSAN2A). Also called: MORVAN DISEASE; NEUROPATHY, CONGENITAL SENSORY; NEUROPATHY, HEREDITARY SENSORY RADICULAR, AUTOSOMAL RECESSIVE; NEUROPATHY, HEREDITARY SENSORY, TYPE IIA; NEUROPATHY, PROGRESSIVE SENSORY, OF CHILDREN; ACROOSTEOLYSIS, GIACCAI TYPE. Identifiers: Orphanet 970, MedGen C2752089, MONDO:0024309, OMIM 201300.
Generalized epilepsy with febrile seizures plus, type 7 (GEFSP7). Also called: GEFS+, TYPE 7. Identifiers: Orphanet 36387, MedGen C2751778, MONDO:0013470, OMIM 613863.

Submission:

Labcorp Genetics (formerly Invitae), Labcorp
Classification: Uncertain significance for Neuropathy, hereditary sensory and autonomic, type 2A; Generalized epilepsy with febrile seizures plus, type 7. Last evaluated: 2024-03-26. Review status: criteria provided, single submitter. Criteria: Invitae Variant Classification Sherloc (09022015). Collection method: clinical testing. Allele origin: germline.
Comment: This sequence change replaces methionine, which is neutral and non-polar, with isoleucine, which is neutral and non-polar, at codon 268 of the SCN9A protein (p.Met268Ile). This variant is not present in population databases (gnomAD no frequency). This variant has not been reported in the literature in individuals affected with SCN9A-related conditions. Advanced modeling of protein sequence and biophysical properties (such as structural, functional, and spatial information, amino acid conservation, physicochemical variation, residue mobility, and thermodynamic stability) has been performed at Invitae for this missense variant, however the output from this modeling did not meet the statistical confidence thresholds required to predict the impact of this variant on SCN9A protein function. In summary, the available evidence is currently insufficient to determine the role of this variant in disease. Therefore, it has been classified as a Variant of Uncertain Significance.